The following is an entry in ClinVar:

ClinVar aggregate classification (germline): Uncertain significance (1 of 4 stars; one submission).

Conditions:
Epidermolysis bullosa simplex 5C, with pyloric atresia (EBS5C). Also called: PLEC-Related Epidermolysis Bullosa with Pyloric Atresia; Epidermolysis bullosa simplex with pyloric atresia; PLEC1-Related Epidermolysis Bullosa with Pyloric Atresia. Identifiers: Orphanet 158684, MedGen C2677349, MONDO:0012807, OMIM 612138.
Epidermolysis bullosa simplex with nail dystrophy (EBS5D). Identifiers: MedGen C4225309, MONDO:0014661, OMIM 616487.
Epidermolysis bullosa simplex 5B, with muscular dystrophy (EBS5B). Also called: Epidermolysis bullosa simplex with muscular dystrophy; EPIDERMOLYSIS BULLOSA SIMPLEX AND LIMB-GIRDLE MUSCULAR DYSTROPHY. Identifiers: Orphanet 257, MedGen C2931072, MONDO:0009181, OMIM 226670.
Autosomal recessive limb-girdle muscular dystrophy type 2Q (LGMDR17). Also called: MUSCULAR DYSTROPHY, LIMB-GIRDLE, AUTOSOMAL RECESSIVE 17. Identifiers: Orphanet 254361, MedGen C3150989, MONDO:0013390, OMIM 613723.
Epidermolysis bullosa simplex, Ogna type (EBS5A). Also called: Pidermolysis bullosa simplex 5A, Ogna type; EPIDERMOLYSIS BULLOSA SIMPLEX 5A, OGNA TYPE. Identifiers: Orphanet 79401, MedGen C0432317, MONDO:0007555, OMIM 131950.

Allele frequency attached by ClinVar (database versions not stated): gnomAD exomes below 0.00001 and 0.00001; gnomAD 0.00001; TOPMed 0.00001; ExAC 0.00002; ESP Exome Variant Server 0.00008.
gnomAD v4.1: 4 of 1,613,558 alleles (0.00025%); highest among the groups gnomAD compares: Non-Finnish European, 0.00034%; no homozygotes.

Submission:

Labcorp Genetics (formerly Invitae), Labcorp
Classification: Uncertain significance for Autosomal recessive limb-girdle muscular dystrophy type 2Q; Epidermolysis bullosa simplex, Ogna type; Epidermolysis bullosa simplex with nail dystrophy; Epidermolysis bullosa simplex 5C, with pyloric atresia; Epidermolysis bullosa simplex 5B, with muscular dystrophy. Last evaluated: 2022-09-01. Review status: criteria provided, single submitter. Criteria: Invitae Variant Classification Sherloc (09022015). Collection method: clinical testing. Allele origin: germline.
Comment: This variant has not been reported in the literature in individuals affected with PLEC-related conditions. ClinVar contains an entry for this variant (Variation ID: 574431). Algorithms developed to predict the effect of missense changes on protein structure and function (SIFT, PolyPhen-2, Align-GVGD) all suggest that this variant is likely to be tolerated. In summary, the available evidence is currently insufficient to determine the role of this variant in disease. Therefore, it has been classified as a Variant of Uncertain Significance. This sequence change replaces lysine, which is basic and polar, with glutamic acid, which is acidic and polar, at codon 3571 of the PLEC protein (p.Lys3571Glu). This variant is present in population databases (rs371181414, gnomAD 0.002%).

NM_201384.3(PLEC):c.10630A>G (p.Lys3544Glu)

Gene: PLEC (plectin; minus strand). Cytogenetic location: 8q24.3.
Variant type: single nucleotide variant.
Coding change: c.10630A>G on transcript NM_201384.3 (MANE Select); coding-DNA position 10630, A replaced by G.
Protein change: p.Lys3544Glu; replaces lysine 3544 with glutamic acid.
Molecular consequence: missense variant.
Genome position (GRCh38, 1-based): chr8:143,919,191, T>C on the plus strand (A>G on the coding strand, the complement: PLEC is on the minus strand). VCF-style: chr8-143919191-T-C. GRCh37 (hg19) VCF-style: chr8-144993359-T-C.
Other names: c.10711A>G, p.Lys3571Glu (NM_000445.5); c.10588A>G, p.Lys3530Glu (NM_201378.4); c.10564A>G, p.Lys3522Glu (NM_201379.3); c.11041A>G, p.Lys3681Glu (NM_201380.4); c.10534A>G, p.Lys3512Glu (NM_201381.3); c.10630A>G, p.Lys3544Glu (NM_201382.4); c.10642A>G, p.Lys3548Glu (NM_201383.3); short protein forms K3681E, K3512E, K3548E, K3522E, K3530E, K3544E, K3571E.
Identifiers: ClinVar variation 574431 (VCV000574431.9), dbSNP rs371181414, ClinGen allele CA4924584.
Genomic context (GRCh38, chr8:143,919,191, plus strand): 5'-TTGTCTCCTCCTCAGTGTACACCTGCGTGGTCTCCACCACCTCAGCCTTCTCCGCCCCTT[T>C]CAGTGGCAGAAGGCGCAAGCCCGTCTCGGGGTCCTCCACGCACCGCTCCAGCAGCTGCCT-3'
Protein context (NP_958786.1, residues 3534-3554): PETGLRLLPL[Lys3544Glu]GAEKAEVVET